The following is an entry in ClinVar:

NM_006918.5(SC5D):c.*3196C>T

Gene: SC5D (sterol-C5-desaturase; plus strand). Cytogenetic location: 11q24.1.
Variant type: single nucleotide variant.
Coding change: c.*3196C>T on transcript NM_006918.5 (MANE Select); 3196 bases downstream of the stop codon, C replaced by T.
Molecular consequence: 3 prime UTR variant.
Genome position (GRCh38, 1-based): chr11:121,310,708, C>T. VCF-style: chr11-121310708-C-T. GRCh37 (hg19) VCF-style: chr11-121181417-C-T.
Other names: c.*3196C>T (NM_001024956.3).
Identifiers: ClinVar variation 877182 (VCV000877182.4), dbSNP rs111744316, ClinGen allele CA229860218.
Genomic context (GRCh38, chr11:121,310,708, plus strand): 5'-GATGGGGTTTCACCGTGTTAGCCAGGATGGTCTTGATCTCCTGACCTCATGATCTGCCTG[C>T]CTCGGCCTCCCAAAGTGCTGGGATTATAGGTGTGAGCCACCATGCCCAGCCCCTTCTGTC-3'

ClinVar aggregate classification (germline): Benign (1 of 4 stars; one submission).

Conditions:
Lathosterolosis. Also called: SC5D DEFICIENCY; STEROL C5-DESATURASE DEFICIENCY. Identifiers: Orphanet 46059, MedGen C1846421, MONDO:0011816, OMIM 607330.

Allele frequency attached by ClinVar (database versions not stated): gnomAD 0.00705 and 0.00745; TOPMed 0.00776; 1000 Genomes Project 30x 0.01077; 1000 Genomes Project 0.01118.
gnomAD v4.1: 1,064 of 152,172 alleles (0.7%); highest among the groups gnomAD compares: African/African-American, 2.3%; 17 homozygotes.

Submission:

Illumina Laboratory Services, Illumina
Classification: Benign for Lathosterolosis. Last evaluated: 2018-02-13. Review status: criteria provided, single submitter. Criteria: ICSL Variant Classification Criteria 13 December 2019. Collection method: clinical testing. Allele origin: germline.
Comment: This variant was observed as part of a predisposition screen in an ostensibly healthy population. A literature search was performed for the gene, cDNA change, and amino acid change (where applicable). No publications were found based on this search. Allele frequency data from public databases was too high to be consistent with this variant causing disease. Therefore, this variant is classified as benign.